The following is an entry in ClinVar:

ClinVar aggregate classification (germline): Likely benign. Review status: criteria provided, multiple submitters, no conflicts (2 of 4 stars). 3 submissions from 3 submitters: Likely benign (3). Last evaluated 2026-03-17.

Conditions:
Cardiovascular phenotype. Identifiers: MedGen CN230736.
Alstrom syndrome (ALMS). Identifiers: Orphanet 64, MedGen C0268425, MONDO:0008763, OMIM 203800.

Allele frequency attached by ClinVar (database versions not stated): gnomAD 0.00001; gnomAD exomes 0.00001; ExAC 0.00002; TOPMed 0.00003.
gnomAD v4.1: 13 of 1,613,090 alleles (0.00081%); highest among the groups gnomAD compares: African/African-American, 0.0013%; no homozygotes.

Submissions (3):

Ambry Genetics
Classification: Likely benign for Cardiovascular phenotype. Last evaluated: 2026-03-17. Review status: criteria provided, single submitter. Criteria: Ambry Variant Classification Scheme 2023. Collection method: clinical testing. Allele origin: germline.

Labcorp Genetics (formerly Invitae), Labcorp
Classification: Likely benign for Alstrom syndrome. Last evaluated: 2025-12-17. Review status: criteria provided, single submitter. Criteria: Invitae Variant Classification Sherloc (09022015). Collection method: clinical testing. Allele origin: germline.

CeGaT Center for Human Genetics Tuebingen
Classification: Likely benign. Last evaluated: 2022-03-01. Review status: criteria provided, single submitter. Criteria: CeGaT Center For Human Genetics Tuebingen Variant Classification Criteria Version 2. Collection method: clinical testing. Allele origin: germline. Affected: yes. Observed: 1 variant allele.
Comment: ALMS1: BP4, BP7

NM_001378454.1(ALMS1):c.6483A>G (p.Leu2161=)

Gene: ALMS1 (ALMS1 centrosome and basal body associated protein; plus strand). Cytogenetic location: 2p13.1.
Variant type: single nucleotide variant.
Coding change: c.6483A>G on transcript NM_001378454.1 (MANE Select); coding-DNA position 6483, A replaced by G.
Protein change: p.Leu2161=; no amino-acid change (leucine 2161 retained).
Molecular consequence: synonymous variant.
Genome position (GRCh38, 1-based): chr2:73,453,010, A>G. VCF-style: chr2-73453010-A-G. GRCh37 (hg19) VCF-style: chr2-73680137-A-G.
Other names: c.6486A>G, p.Leu2162= (NM_015120.4).
Identifiers: ClinVar variation 1158358 (VCV001158358.33), dbSNP rs750552165, ClinGen allele CA1714071.